The following is an entry in ClinVar:

ClinVar aggregate classification (germline): Likely pathogenic. Review status: criteria provided, multiple submitters, no conflicts (2 of 4 stars). 2 submissions from 2 submitters: Likely pathogenic (2). Last evaluated 2026-05-06.

Conditions:
Cardiovascular phenotype. Identifiers: MedGen CN230736.
TTN-related disorder. Also called: TTN-related condition; TTN-related disease; TTN-related disorders.

Submissions (2):

Ambry Genetics
Classification: Likely pathogenic for Cardiovascular phenotype. Last evaluated: 2026-05-06. Review status: criteria provided, single submitter. Criteria: Ambry Variant Classification Scheme 2023. Collection method: clinical testing. Allele origin: germline.
Comment: The c.20268dupT variant, located in coding exon 80 of the TTN gene, results from a duplication of T at nucleotide position 20268, causing a translational frameshift with a predicted alternate stop codon (p.D6757*). This exon is located in the A-band region of the N2-B isoform of the titin protein and is constitutively expressed in TTN transcripts (percent spliced in or PSI 100%). This variant is considered to be rare based on population cohorts in the Genome Aggregation Database (gnomAD). This variant is expected to result in loss of function by premature protein truncation or nonsense-mediated mRNA decay. While truncating variants in TTN are present in 1-3% of the general population, truncating variants in the A-band are the most common cause of dilated cardiomyopathy (Herman DS et al. N. Engl. J. Med., 2012 Feb;366:619-28; Roberts AM et al. Sci Transl Med, 2015 Jan;7:270ra6). TTN truncating variants encoded in constitutive exons (PSI >90%) have been found to be significantly associated with DCM regardless of their position in titin (Schafer S et al. Nat. Genet., 2017 01;49:46-53; Akhtar MM et al. Circ Heart Fail, 2020 Oct;13:e006832; Massier M et al. Clin Genet, 2025 Jan). Based on the majority of available evidence to date, this variant is likely to be pathogenic.

Blueprint Genetics
Classification: Likely pathogenic for TTN-related disorders. Last evaluated: 2022-04-13. Review status: criteria provided, single submitter. Criteria: ACMG Guidelines, 2015. Collection method: clinical testing. Allele origin: germline. Affected: yes. Observed: 1 variant allele.

NM_001267550.2(TTN):c.47463dup (p.Asp15822Ter)

Genes: TTN (titin; minus strand), TTN-AS1 (TTN antisense RNA 1; plus strand). Cytogenetic location: 2q31.2.
Variant type: Duplication.
Coding change: c.47463dup on transcript NM_001267550.2 (MANE Select); coding-DNA position 47463, one base duplicated (T; older notation c.47463dupT).
Protein change: p.Asp15822Ter; replaces aspartic acid 15822 with a stop codon.
Molecular consequence: nonsense.
Genome position (GRCh38, 1-based): chr2:178,617,888, A duplicated on the plus strand (T on the coding strand, the reverse complement: TTN is on the minus strand). VCF-style (leftmost placement, unchanged base first): chr2-178617887-C-CA. GRCh37 (hg19) VCF-style: chr2-179482614-C-CA.
Other names: c.42540dup, p.Asp14181Ter (NM_001256850.1); c.20268dup, p.Asp6757Ter (NM_003319.4); c.39759dup, p.Asp13254Ter (NM_133378.4); c.20643dup, p.Asp6882Ter (NM_133432.3); c.20844dup, p.Asp6949Ter (NM_133437.4); c.20268dupT (NM_003319.4); short protein forms D13254*, D14181*, D15822*, D6757*, D6882*, D6949*.
Identifiers: ClinVar variation 4866218 (VCV004866218.2).